The following is an entry in ClinVar:

NM_000094.4(COL7A1):c.3207G>A (p.Ala1069=)

Gene: COL7A1 (collagen type VII alpha 1 chain; minus strand). Cytogenetic location: 3p21.31.
Variant type: single nucleotide variant.
Coding change: c.3207G>A on transcript NM_000094.4 (MANE Select); coding-DNA position 3207, G replaced by A.
Protein change: p.Ala1069=; no amino-acid change (alanine 1069 retained).
Molecular consequence: synonymous variant.
Genome position (GRCh38, 1-based): chr3:48,587,041, C>T on the plus strand (G>A on the coding strand, the complement: COL7A1 is on the minus strand). VCF-style: chr3-48587041-C-T. GRCh37 (hg19) VCF-style: chr3-48624474-C-T.
Identifiers: ClinVar variation 2069427 (VCV002069427.5), dbSNP rs755840352, ClinGen allele CA2380601.

ClinVar aggregate classification (germline): Likely benign. Review status: criteria provided, multiple submitters, no conflicts (2 of 4 stars). 2 submissions from 2 submitters: Likely benign (2). Last evaluated 2026-07-01.

Allele frequency attached by ClinVar (database versions not stated): ExAC 0.00001; gnomAD 0.00001; TOPMed 0.00001; gnomAD exomes 0.00003.
gnomAD v4.1: 45 of 1,607,860 alleles (0.0028%); highest among the groups gnomAD compares: South Asian, 0.0045%; no homozygotes.

Submissions (2):

CeGaT Center for Human Genetics Tuebingen
Classification: Likely benign. Last evaluated: 2026-07-01. Review status: criteria provided, single submitter. Criteria: CeGaT Center For Human Genetics Tuebingen Variant Classification Criteria Version 2. Collection method: clinical testing. Allele origin: germline. Affected: yes. Observed: 1 variant allele.
Comment: COL7A1: BP4, BP7

Labcorp Genetics (formerly Invitae), Labcorp
Classification: Likely benign. Last evaluated: 2026-01-18. Review status: criteria provided, single submitter. Criteria: Invitae Variant Classification Sherloc (09022015). Collection method: clinical testing. Allele origin: germline.